The following is an entry in ClinVar:

ClinVar aggregate classification (germline): Uncertain significance (1 of 4 stars; one submission).

Conditions:
Atrial fibrillation, familial, 18 (ATFB18). Identifiers: MedGen C4310636, MONDO:0015001, OMIM 617280.

Allele frequency attached by ClinVar (database versions not stated): gnomAD 0.00004 and 0.00005; gnomAD exomes 0.00005 and 0.00019; TOPMed 0.00008; ExAC 0.00017; 1000 Genomes Project 0.00040; 1000 Genomes Project 30x 0.00047.
gnomAD v4.1: 86 of 1,614,160 alleles (0.0053%); highest among the groups gnomAD compares: East Asian, 0.17%; no homozygotes.

Submission:

Labcorp Genetics (formerly Invitae), Labcorp
Classification: Uncertain significance for Atrial fibrillation, familial, 18. Last evaluated: 2025-12-29. Review status: criteria provided, single submitter. Criteria: Invitae Variant Classification Sherloc (09022015). Collection method: clinical testing. Allele origin: germline.
Comment: This sequence change replaces methionine, which is neutral and non-polar, with arginine, which is basic and polar, at codon 71 of the MYL4 protein (p.Met71Arg). The frequency data for this variant in the population databases is considered unreliable, as metrics indicate poor data quality at this position in the gnomAD database. This variant has not been reported in the literature in individuals affected with MYL4-related conditions. ClinVar contains an entry for this variant (Variation ID: 856654). An algorithm developed to predict the effect of missense changes on protein structure and function (PolyPhen-2) suggests that this variant is likely to be disruptive. In summary, the available evidence is currently insufficient to determine the role of this variant in disease. Therefore, it has been classified as a Variant of Uncertain Significance.

NM_002476.2(MYL4):c.212T>G (p.Met71Arg)

Gene: MYL4 (myosin light chain 4; plus strand). Cytogenetic location: 17q21.32.
Variant type: single nucleotide variant.
Coding change: c.212T>G on transcript NM_002476.2 (MANE Select); coding-DNA position 212, T replaced by G.
Protein change: p.Met71Arg; replaces methionine 71 with arginine.
Molecular consequence: missense variant.
Genome position (GRCh38, 1-based): chr17:47,219,952, T>G. VCF-style: chr17-47219952-T-G. GRCh37 (hg19) VCF-style: chr17-45297318-T-G.
Other names: c.212T>G, p.Met71Arg (NM_001002841.2); short protein forms M71R.
Identifiers: ClinVar variation 856654 (VCV000856654.10), dbSNP rs527647806, ClinGen allele CA8622681.
Genomic context (GRCh38, chr17:47,219,952, plus strand): 5'-TTCTCTCCACAGAGTTCAAAGAGGCCTTTTCATTGTTTGACCGGACCCCGACTGGAGAGA[T>G]GAAGATCACCTACGGCCAGTGCGGGGATGTACTGCGGGCCCTGGGCCAGAACCCTACCAA-3'
Protein context (NP_002467.1, residues 61-81): SLFDRTPTGE[Met71Arg]KITYGQCGDV